The following is an entry in ClinVar:

ClinVar aggregate classification (germline): Conflicting classifications of pathogenicity. Review status: criteria provided, conflicting classifications (1 of 4 stars). 2 submissions from 2 submitters: Uncertain significance (1); Likely benign (1). Last evaluated 2019-09-30.

Allele frequency attached by ClinVar (database versions not stated): gnomAD exomes below 0.00001 and 0.00001; ExAC 0.00001.
gnomAD v4.1: 14 of 1,610,132 alleles (0.00087%); highest among the groups gnomAD compares: Middle Eastern, 0.066%; 1 homozygote.

Submissions (2):

GeneDx
Classification: Likely benign. Last evaluated: 2019-09-30. Review status: criteria provided, single submitter. Criteria: GeneDx Variant Classification Process June 2021. Collection method: clinical testing. Allele origin: germline. Affected: yes.
Comment: See Variant Classification Assertion Criteria.

Genetic Services Laboratory, University of Chicago
Classification: Uncertain significance. Last evaluated: 2017-05-01. Review status: criteria provided, single submitter. Criteria: ACMG Guidelines, 2015. Collection method: clinical testing. Allele origin: germline. Affected: no.

NM_018026.4(PACS1):c.1375-4G>A

Gene: PACS1 (phosphofurin acidic cluster sorting protein 1; plus strand). Cytogenetic location: 11q13.2.
Variant type: single nucleotide variant.
Coding change: c.1375-4G>A on transcript NM_018026.4 (MANE Select); 4 bases into the intron before coding-DNA position 1375, G replaced by A.
Molecular consequence: intron variant.
Genome position (GRCh38, 1-based): chr11:66,230,544, G>A. VCF-style: chr11-66230544-G-A. GRCh37 (hg19) VCF-style: chr11-65998015-G-A.
Identifiers: ClinVar variation 436131 (VCV000436131.8), dbSNP rs766187894, ClinGen allele CA6116562.